The following is an entry in ClinVar:

NM_001267550.2(TTN):c.70644C>T (p.Thr23548=)

Genes: TTN (titin; minus strand), TTN-AS1 (TTN antisense RNA 1; plus strand), LOC126806422 (BRD4-independent group 4 enhancer GRCh37_chr2:179440205-179441404; plus strand). Cytogenetic location: 2q31.2.
Variant type: single nucleotide variant.
Coding change: c.70644C>T on transcript NM_001267550.2 (MANE Select); coding-DNA position 70644, C replaced by T.
Protein change: p.Thr23548=; no amino-acid change (threonine 23548 retained).
Molecular consequence: synonymous variant.
Genome position (GRCh38, 1-based): chr2:178,575,488, G>A on the plus strand (C>T on the coding strand, the complement: TTN is on the minus strand). VCF-style: chr2-178575488-G-A. GRCh37 (hg19) VCF-style: chr2-179440215-G-A.
Other names: c.65721C>T, p.Thr21907= (NM_001256850.1); c.62940C>T, p.Thr20980= (NM_133378.4); c.43449C>T, p.Thr14483= (NM_003319.4); c.43824C>T, p.Thr14608= (NM_133432.3); c.44025C>T, p.Thr14675= (NM_133437.4).
Identifiers: ClinVar variation 47288 (VCV000047288.49), dbSNP rs148210834, ClinGen allele CA140587.

ClinVar aggregate classification (germline): Likely benign. Review status: criteria provided, multiple submitters, no conflicts (2 of 4 stars). 13 submissions from 13 submitters: Likely benign (8). 5 of the submissions do not count toward it. Last evaluated 2026-09-01.

Conditions:
TTN-related disorder. Also called: TTN-related disorders; TTN-related condition; TTN-related disease.
Cardiovascular phenotype. Identifiers: MedGen CN230736.
Autosomal recessive limb-girdle muscular dystrophy type 2J (LGMDR10). Also called: MUSCULAR DYSTROPHY, LIMB-GIRDLE, AUTOSOMAL RECESSIVE 10; Limb-girdle muscular dystrophy, type 2J. Identifiers: Orphanet 140922, MedGen C1837342, MONDO:0012127, OMIM 608807.
Dilated cardiomyopathy 1G (CMD1G). Identifiers: Orphanet 154, MedGen C1858763, MONDO:0011400, OMIM 604145.

Allele frequency attached by ClinVar (database versions not stated): gnomAD exomes 0.00016 and 0.00027; gnomAD 0.00021 and 0.00019; 1000 Genomes Project 30x 0.00031; ExAC 0.00017; 1000 Genomes Project 0.00040; TOPMed 0.00021.
gnomAD v4.1: 412 of 1,613,596 alleles (0.026%); highest among the groups gnomAD compares: East Asian, 0.22%; no homozygotes.

Submissions (13):

CeGaT Center for Human Genetics Tuebingen
Classification: Likely benign. Last evaluated: 2026-09-01. Review status: criteria provided, single submitter. Criteria: CeGaT Center For Human Genetics Tuebingen Variant Classification Criteria Version 2. Collection method: clinical testing. Allele origin: germline. Affected: yes. Observed: 2 variant alleles.
Comment: TTN: BP4, BP7

Labcorp Genetics (formerly Invitae), Labcorp
Classification: Likely benign for Dilated cardiomyopathy 1G; Autosomal recessive limb-girdle muscular dystrophy type 2J. Last evaluated: 2026-01-28. Review status: criteria provided, single submitter. Criteria: Invitae Variant Classification Sherloc (09022015). Collection method: clinical testing. Allele origin: germline.

PreventionGenetics, part of Exact Sciences
Classification: Likely benign for TTN-related condition. Last evaluated: 2025-05-15. Review status: criteria provided, single submitter. Criteria: ACMG Guidelines, 2015. Collection method: clinical testing. Allele origin: germline.
Comment: This variant is classified as likely benign based on ACMG/AMP sequence variant interpretation guidelines (Richards et al. 2015 PMID: 25741868, with internal and published modifications).

Molecular Diagnostic Laboratory for Inherited Cardiovascular Disease, Montreal Heart Institute
Classification: Likely benign. Last evaluated: 2025-04-09. Review status: criteria provided, single submitter. Criteria: ACMG Guidelines, 2015. Collection method: clinical testing. Allele origin: germline. Affected: no.

Blueprint Genetics
Classification: Likely benign. Last evaluated: 2024-08-01. Review status: criteria provided, single submitter. Criteria: ACMG Guidelines, 2015. Collection method: clinical testing. Allele origin: germline.

Ambry Genetics
Classification: Likely benign for Cardiovascular phenotype. Last evaluated: 2021-06-01. Review status: criteria provided, single submitter. Criteria: Ambry Variant Classification Scheme 2023. Collection method: clinical testing. Allele origin: germline.

GeneDx
Classification: Likely benign. Last evaluated: 2021-03-02. Review status: criteria provided, single submitter. Criteria: GeneDx Variant Classification Process June 2021. Collection method: clinical testing. Allele origin: germline. Affected: yes.

Laboratory for Molecular Medicine, Mass General Brigham Personalized Medicine
Classification: Likely benign. Last evaluated: 2012-03-21. Review status: criteria provided, single submitter. Criteria: LMM Criteria. Collection method: clinical testing. Allele origin: germline. Observed: 2 variant alleles.
Comment: Thr20980Thr in exon 275 of TTN: This variant is not expected to have clinical si gnificance because it does not alter an amino acid residue and it is not located within the splice consensus sequence. Thr20980Thr in exon 275 of TTN (allele frequency = n/a)

Clinical Genetics DNA and cytogenetics Diagnostics Lab, Erasmus MC, Erasmus Medical Center
Classification: Likely benign. Review status: no assertion criteria provided. Collection method: clinical testing. Allele origin: germline. Affected: yes. Study: VKGL Data-share Consensus. Not counted in ClinVar's aggregate classification.

Clinical Genetics, Academic Medical Center
Classification: Benign. Review status: no assertion criteria provided. Collection method: clinical testing. Allele origin: germline. Affected: yes. Study: VKGL Data-share Consensus. Not counted in ClinVar's aggregate classification.

Diagnostic Laboratory, Department of Genetics, University Medical Center Groningen
Classification: Likely benign. Review status: no assertion criteria provided. Collection method: clinical testing. Allele origin: germline. Affected: yes. Study: VKGL Data-share Consensus. Not counted in ClinVar's aggregate classification.

Genome Diagnostics Laboratory, University Medical Center Utrecht
Classification: Likely benign. Review status: no assertion criteria provided. Collection method: clinical testing. Allele origin: germline. Affected: yes. Study: VKGL Data-share Consensus. Not counted in ClinVar's aggregate classification.

Joint Genome Diagnostic Labs from Nijmegen and Maastricht, Radboudumc and MUMC+
Classification: Benign. Review status: no assertion criteria provided. Collection method: clinical testing. Allele origin: germline. Affected: yes. Study: VKGL Data-share Consensus. Not counted in ClinVar's aggregate classification.